The following is an entry in ClinVar:

ClinVar aggregate classification (germline): Uncertain significance (1 of 4 stars; one submission).

Conditions:
Hyperornithinemia-hyperammonemia-homocitrullinuria syndrome (HHHS). Also called: HHH SYNDROME; Ornithine translocase deficiency. Identifiers: Orphanet 415, MedGen C0268540, MONDO:0009393, OMIM 238970.

Submission:

Laboratorio de Biologia Molecular - Genetica, Hospital de Pediatria Garrahan
Classification: Uncertain significance for Hyperornithinemia-hyperammonemia-homocitrullinuria syndrome. Last evaluated: 2026-10-01. Review status: criteria provided, single submitter. Criteria: ACMG Guidelines, 2015. Collection method: clinical testing. Allele origin: germline. Affected: yes. Observed: 2 variant alleles.
Comment: This sequence change replaces glycine, which is neutral and non-polar, with arginine, which is basic and polar, at codon 217 of the SLC25A15 protein (p.Gly217Arg). This variant is present in population databases at an extremely low frequency (gnomAD <0.001%) (PM2_supporting). This variant has been reported in the literature in one individual affected with Hyperornithinemia-Hyperammonemia-Homocitrullinuria Syndrome (PMID: 35711415). This variant is predicted to be deleterious by computational evidence, with a REVEL score of 0.95 (PP3). In summary, the available evidence is currently insufficient to determine the role of this variant in disease. Therefore, it has been classified as a Variant of Uncertain Significance.

Literature cited by the submitters: PubMed 35711415.

NM_014252.4(SLC25A15):c.649G>A (p.Gly217Arg)

Gene: SLC25A15 (solute carrier family 25 member 15; plus strand). Cytogenetic location: 13q14.11.
Variant type: single nucleotide variant.
Coding change: c.649G>A on transcript NM_014252.4 (MANE Select); coding-DNA position 649, G replaced by A.
Protein change: p.Gly217Arg; replaces glycine 217 with arginine.
Molecular consequence: missense variant.
Genome position (GRCh38, 1-based): chr13:40,808,464, G>A. VCF-style: chr13-40808464-G-A. GRCh37 (hg19) VCF-style: chr13-41382600-G-A.
Other names: short protein forms G217R.
Identifiers: ClinVar variation 5042718 (VCV005042718.1).